The following is an entry in ClinVar:

ClinVar aggregate classification (germline): Likely pathogenic (1 of 4 stars; one submission).

Conditions:
Familial cancer of breast. Also called: Hereditary breast cancer; hereditary breast carcinoma; BREAST CANCER, FAMILIAL. Identifiers: Orphanet 227535, MedGen C0346153, MONDO:0016419, OMIM 114480. Disease mechanism: loss of function.
Fanconi anemia complementation group J. Also called: BRIP1-Related Fanconi Anemia. Identifiers: Orphanet 84, MedGen C1836860, MONDO:0012187, OMIM 609054.

Submission:

Labcorp Genetics (formerly Invitae), Labcorp
Classification: Likely pathogenic for Familial cancer of breast; Fanconi anemia complementation group J. Last evaluated: 2021-12-07. Review status: criteria provided, single submitter. Criteria: Invitae Variant Classification Sherloc (09022015). Collection method: clinical testing. Allele origin: germline.
Comment: In summary, the currently available evidence indicates that the variant is pathogenic, but additional data are needed to prove that conclusively. Therefore, this variant has been classified as Likely Pathogenic. Algorithms developed to predict the effect of sequence changes on RNA splicing suggest that this variant may disrupt the consensus splice site. ClinVar contains an entry for this variant (Variation ID: 407841). This variant has not been reported in the literature in individuals affected with BRIP1-related conditions. This variant is not present in population databases (gnomAD no frequency). This sequence change affects a donor splice site in intron 3 of the BRIP1 gene. It is expected to disrupt RNA splicing. Variants that disrupt the donor or acceptor splice site typically lead to a loss of protein function (PMID: 16199547), and loss-of-function variants in BRIP1 are known to be pathogenic (PMID: 16116423, 17033622, 21964575).

Literature cited by the submitters: PubMed 16199547; PubMed 16116423; PubMed 17033622; PubMed 21964575.

NM_032043.3(BRIP1):c.205+2T>G

Gene: BRIP1 (BRCA1 interacting DNA helicase 1; minus strand). Cytogenetic location: 17q23.2.
Variant type: single nucleotide variant.
Coding change: c.205+2T>G on transcript NM_032043.3 (MANE Select); the canonical splice donor site of the intron after coding-DNA position 205, T replaced by G.
Molecular consequence: splice donor variant.
Genome position (GRCh38, 1-based): chr17:61,859,794, A>C on the plus strand (T>G on the coding strand, the complement: BRIP1 is on the minus strand). VCF-style: chr17-61859794-A-C. GRCh37 (hg19) VCF-style: chr17-59937155-A-C.
Identifiers: ClinVar variation 407841 (VCV000407841.8), dbSNP rs1060501763, ClinGen allele CA16615868.
Genomic context (GRCh38, chr17:61,859,794, plus strand): 5'-ATACTGTATTATATTTTCTCAGATCCCAGTAAGTAACCTGAAGATATCAAGCAACTACTT[A>C]CCACTAAGAGATTGTTGCCATGCTAAAGCAGAACAAAGTAAGGCTAAGCTTTTTCCACTT-3'